The following is an entry in ClinVar:

ClinVar aggregate classification (germline): Pathogenic/Likely pathogenic. Review status: criteria provided, multiple submitters, no conflicts (2 of 4 stars). 12 submissions from 12 submitters: Pathogenic (9); Likely pathogenic (1). 2 of the submissions do not count toward it. Last evaluated 2026-01-09.

Conditions:
BRCA1-related disorder. Also called: BRCA1-related condition.
Breast-ovarian cancer, familial, susceptibility to, 1 (BROVCA1). Also called: BRCA1 Hereditary Breast and Ovarian Cancer; OVARIAN CANCER, SUSCEPTIBILITY TO. Identifiers: Orphanet 145, MedGen C2676676, MONDO:0011450, OMIM 604370. Disease mechanism: loss of function.
Hereditary cancer-predisposing syndrome. Also called: Hereditary Cancer Syndrome; Hereditary neoplastic syndrome; Neoplastic Syndromes, Hereditary; Tumor predisposition. Identifiers: Orphanet 140162, MedGen C0027672, MeSH D009386, MONDO:0015356.
Hereditary breast ovarian cancer syndrome. Also called: BRCA1- and BRCA2-Associated Hereditary Breast and Ovarian Cancer; Hereditary breast and ovarian cancer syndrome; Hereditary breast and ovarian cancer syndrome (HBOC); Breast and ovarian cancer; Hereditary breast and/or ovarian cancer syndrome; Hereditary breast and ovarian cancer. Identifiers: Orphanet 145, MedGen C0677776, MeSH D061325, MONDO:0003582. Disease mechanism: loss of function.

Submissions 1 to 7 of 12:

Ambry Genetics
Classification: Pathogenic for Hereditary cancer-predisposing syndrome. Last evaluated: 2026-01-09. Review status: criteria provided, single submitter. Criteria: Ambry Variant Classification Scheme 2023. Collection method: clinical testing. Allele origin: germline.
Comment: The c.4485-2A>G intronic alteration consists of an A to G substitution two nucleotides before exon 14 (coding exon 13) of the BRCA1 gene. Alterations that disrupt the canonical splice site are expected to cause aberrant splicing, resulting in an abnormal protein or a transcript that is subject to nonsense-mediated mRNA decay. This variant was not reported in population-based cohorts in the Genome Aggregation Database (gnomAD). Also designated as IVS14-2A>G and 4604-2A>G in published literature, this alteration has been reported in several families with breast and/or ovarian cancers (Shattuck-Eidens, 1997; Sekine, 2001; Evans, 2003; Nakamura, 2015). This alteration has also been reported with a carrier frequency of 1 in 7051 unselected breast cancer patients and 0 in 11241 female controls of Japanese ancestry (Momozawa, 2018). This nucleotide position is highly conserved in available vertebrate species. In vivo studies conducted in an EOC cell line homozygous for a different alteration at this splice acceptor site, c.4485-1G>T, identified the presence of a novel transcript induced by abnormal splicing, resulting in the absence of BRCA1 protein (Fleury, 2015). In silico splice site analysis predicts that this alteration will weaken the native splice acceptor site and may result in the creation or strengthening of a novel splice acceptor site. Based on the available evidence, this alteration is classified as pathogenic.

Labcorp Genetics (formerly Invitae), Labcorp
Classification: Pathogenic for Hereditary breast ovarian cancer syndrome. Last evaluated: 2025-04-02. Review status: criteria provided, single submitter. Criteria: Invitae Variant Classification Sherloc (09022015). Collection method: clinical testing. Allele origin: germline.
Comment: This sequence change affects an acceptor splice site in intron 13 of the BRCA1 gene. RNA analysis indicates that disruption of this splice site induces altered splicing and may result in an absent or altered protein product. This variant is not present in population databases (gnomAD no frequency). Disruption of this splice site has been observed in individual(s) with breast cancer and/or ovarian cancer (PMID: 9333265, 11595708, 12960223, 24249303, 28179634). This variant is also known as IVS14-2A>G and 4604-2A>G. ClinVar contains an entry for this variant (Variation ID: 55214). Studies have shown that disruption of this splice site results in skipping of exon 14 and/or activation of a cryptic splice site, and produces a non-functional protein and/or introduces a premature termination codon (PMID: 26622941; internal data). For these reasons, this variant has been classified as Pathogenic.

GeneDx
Classification: Pathogenic. Last evaluated: 2024-04-03. Review status: criteria provided, single submitter. Criteria: GeneDx Variant Classification Process June 2021. Collection method: clinical testing. Allele origin: germline. Affected: yes.
Comment: Canonical splice site variant predicted to result in a null allele in a gene for which loss of function is a known mechanism of disease; Not observed at significant frequency in large population cohorts (gnomAD); Also known as 4604-2A>G; This variant is associated with the following publications: (PMID: 11595708, 12491487, 26187060, 28152038, 29884136, 9333265, 12960223, 21523855, 25525159, 24249303, 28111427, 29446198, 30787465, 33471991, 30287823, 28179634, 30203341, 29673794, 31131967)

Baylor Genetics
Classification: Pathogenic for Breast-ovarian cancer, familial, susceptibility to, 1. Last evaluated: 2023-09-08. Review status: criteria provided, single submitter. Criteria: ACMG Guidelines, 2015. Collection method: clinical testing. Allele origin: unknown.

ARUP Laboratories, Molecular Genetics and Genomics, ARUP Laboratories
Classification: Pathogenic. Last evaluated: 2023-04-05. Review status: criteria provided, single submitter. Criteria: ARUP Molecular Germline Variant Investigation Process 2024. Collection method: clinical testing. Allele origin: germline.
Comment: The BRCA1 c.4485-2A>G variant (rs80358054), also known as IVS14-2A>G and 4604-2A>G for traditional nomenclature, is reported in multiple individuals with hereditary breast and ovarian cancer syndrome (Evans 2003, Park 2017, Rebbeck 2018, Shattuck-Eidens 1997). This variant is also reported in ClinVar (Variation ID: 55214). It is absent from the Genome Aggregation Database, indicating it is not a common polymorphism. This variant disrupts the canonical splice acceptor site of intron 14, which is likely to negatively impact gene function. Based on available information, this variant is considered to be pathogenic. References: Evans DG et al. Sensitivity of BRCA1/2 mutation testing in 466 breast/ovarian cancer families. J Med Genet. 2003 Sep;40(9):e107. PMID: 12960223. Park JS et al. Identification of a Novel BRCA1 Pathogenic Mutation in Korean Patients Following Reclassification of BRCA1 and BRCA2 Variants According to the ACMG Standards and Guidelines Using Relevant Ethnic Controls. Cancer Res Treat. 2017 Oct;49(4):1012-1021. PMID: 28111427. Rebbeck TR et al. Mutational spectrum in a worldwide study of 29,700 families with BRCA1 or BRCA2 mutations. Hum Mutat. 2018 May;39(5):593-620. PMID: 29446198. Shattuck-Eidens D et al. BRCA1 sequence analysis in women at high risk for susceptibility mutations. Risk factor analysis and implications for genetic testing. JAMA. 1997 Oct 15;278(15):1242-50. PMID: 9333265.

PreventionGenetics, part of Exact Sciences
Classification: Pathogenic for BRCA1-related condition. Last evaluated: 2023-03-13. Review status: criteria provided, single submitter. Criteria: ACMG Guidelines, 2015. Collection method: clinical testing. Allele origin: germline.
Comment: The BRCA1 c.4485-2A>G variant is predicted to disrupt the AG splice acceptor site and interfere with normal splicing. This variant was reported in multiple individuals with breast and/or ovarian cancer (described as IVS14-2A>G, Shattuck-Eidens. 1997. PubMed ID: 9333265; Sekine. 2001. PubMed ID: 11595708; described as c.4604-2A>G, Evans. 2003. PubMed ID: 12960223). This variant has not been reported in a large population database, indicating this variant is rare. This variant is reported in ClinVar as pathogenic by the vast majority of labs. Variants that disrupt the consensus splice acceptor site in BRCA1 are expected to be pathogenic. This variant is interpreted as pathogenic.

Color Diagnostics, LLC DBA Color Health
Classification: Likely pathogenic for Hereditary cancer-predisposing syndrome. Last evaluated: 2021-11-08. Review status: criteria provided, single submitter. Criteria: ACMG Guidelines, 2015. Collection method: clinical testing. Allele origin: germline.
Comment: This variant causes an A to G nucleotide substitution at the -2 position of intron 13 of the BRCA1 gene. Splice site prediction tools suggest that this variant may have a significant impact on RNA splicing. Although this prediction has not been confirmed in published RNA studies, two different canonical splice site variants at this acceptor site, c.4485-1G>A and c.4485-1G>T, have been shown to cause out-of-frame splicing in RNA analysis of tumor- and carrier-derived RNA (PMID: 26622941, 31843900). This variant has been reported in at least four individuals affected with breast or ovarian cancer (PMID: 11595708, 28179634, 29673794, 30287823, 33471991; Leiden Open Variation Database DB-ID BRCA1_004959) and additional suspected hereditary breast and ovarian cancer families (PMID: 9333265, 12960223, 24249303, 28111427, 29446198, 30203341). Other canonical splice site variants at this splice acceptor site have been reported as disease-causing in ClinVar (variation ID: 55213, 246501, 267551, 433715, 567954) and detected in individuals affected with breast or ovarian cancer (PMID: 9333265, 11595708, 12181777, 12960223, 24249303, 27553291, 28179634, 29446198, 31528241). This variant has not been identified in the general population by the Genome Aggregation Database (gnomAD). Loss of BRCA1 function is a known mechanism of disease. Based on the available evidence, this variant is classified as Likely Pathogenic.

NM_007294.4(BRCA1):c.4485-2A>G

Gene: BRCA1 (BRCA1 DNA repair associated; minus strand). Cytogenetic location: 17q21.31.
Variant type: single nucleotide variant.
Coding change: c.4485-2A>G on transcript NM_007294.4 (MANE Select); the canonical splice acceptor site of the intron before coding-DNA position 4485, A replaced by G.
Molecular consequence: splice acceptor variant. On other transcripts: intron variant (3).
Genome position (GRCh38, 1-based): chr17:43,074,523, T>C on the plus strand (A>G on the coding strand, the complement: BRCA1 is on the minus strand). VCF-style: chr17-43074523-T-C. GRCh37 (hg19) VCF-style: chr17-41226540-T-C.
Other names: IVS14-2A>G; c.4146-2A>G (NM_001407957.1, NM_001407956.1, NM_001407958.1); c.4149-2A>G (NM_001407953.1, NM_001407954.1, NM_001407952.1 and 3 more transcripts); c.4152-2A>G (NM_001407949.1, NM_001407948.1, NM_001407947.1 and 1 more transcripts); c.849-2A>G (NM_001408506.1); c.963-2A>G (NM_001408481.1, NM_001408491.1, NM_001408482.1 and 5 more transcripts); c.966-2A>G (NM_001408480.1, NM_001408478.1, NM_001408479.1); c.4272-2A>G (NM_001407909.1, NM_001407906.1, NM_001407899.1 and 12 more transcripts); and 72 more.
Identifiers: ClinVar variation 55214 (VCV000055214.29), dbSNP rs80358054, ClinGen allele CA002879.